The following is an entry in ClinVar:

NM_000135.4(FANCA):c.1812A>G (p.Ile604Met)

Gene: FANCA (FA complementation group A; minus strand). Cytogenetic location: 16q24.3.
Variant type: single nucleotide variant.
Coding change: c.1812A>G on transcript NM_000135.4 (MANE Select); coding-DNA position 1812, A replaced by G.
Protein change: p.Ile604Met; replaces isoleucine 604 with methionine.
Molecular consequence: missense variant.
Genome position (GRCh38, 1-based): chr16:89,778,815, T>C on the plus strand (A>G on the coding strand, the complement: FANCA is on the minus strand). VCF-style: chr16-89778815-T-C. GRCh37 (hg19) VCF-style: chr16-89845223-T-C.
Other names: c.1812A>G, p.Ile604Met (NM_001286167.3); short protein forms I604M.
Identifiers: ClinVar variation 5036325 (VCV005036325.1).

ClinVar aggregate classification (germline): Uncertain significance (1 of 4 stars; one submission).

Conditions:
Inborn genetic diseases. Identifiers: MedGen C0950123, MeSH D030342.

gnomAD v4.1: 1 of 1,614,018 alleles (0.000062%); highest among the groups gnomAD compares: Non-Finnish European, 0.000085%; no homozygotes.

Submission:

Ambry Genetics
Classification: Uncertain significance for Inborn genetic diseases. Last evaluated: 2026-06-27. Review status: criteria provided, single submitter. Criteria: Ambry Variant Classification Scheme 2023. Collection method: clinical testing. Allele origin: germline.
Comment: The p.I604M variant (also known as c.1812A>G), located in coding exon 20 of the FANCA gene, results from an A to G substitution at nucleotide position 1812. The isoleucine at codon 604 is replaced by methionine, an amino acid with highly similar properties. This amino acid position is conserved. In addition, the in silico prediction for this alteration is inconclusive. Based on the available evidence, the clinical significance of this variant remains unclear.